The following is an entry in ClinVar:

ClinVar aggregate classification (germline): Conflicting classifications of pathogenicity. Review status: criteria provided, conflicting classifications (1 of 4 stars). 2 submissions from 2 submitters: Uncertain significance (1); Likely benign (1). Last evaluated 2023-04-28.

Conditions:
Catecholaminergic polymorphic ventricular tachycardia (CVPT). Also called: Catecholamine-induced polymorphic ventricular tachycardia. Identifiers: Orphanet 3286, MedGen C5574922, MONDO:0017990.
Catecholaminergic polymorphic ventricular tachycardia 1. Also called: RYR2-Related Catecholaminergic Polymorphic Ventricular Tachycardia; VENTRICULAR TACHYCARDIA, STRESS-INDUCED POLYMORPHIC 1; VENTRICULAR TACHYCARDIA, CATECHOLAMINERGIC POLYMORPHIC, 1, WITH OR WITHOUT ATRIAL DYSFUNCTION AND/OR DILATED CARDIOMYOPATHY. Identifiers: Orphanet 3286, MedGen C1631597, MONDO:0011484, OMIM 604772.

Allele frequency attached by ClinVar (database versions not stated): gnomAD exomes below 0.00001.
gnomAD v4.1: 1 of 1,574,878 alleles (0.000063%); highest among the groups gnomAD compares: Non-Finnish European, 0.000087%; no homozygotes.

Submissions (2):

All of Us Research Program, National Institutes of Health
Classification: Likely benign for Catecholaminergic polymorphic ventricular tachycardia. Last evaluated: 2023-04-28. Review status: criteria provided, single submitter. Criteria: ACMG Guidelines, 2015. Collection method: clinical testing. Allele origin: germline. Inheritance: Autosomal dominant inheritance. Observed: 1 variant allele, 1 heterozygote.
Comment: This study involves interpretation of variants in research participants for the purpose of population health screening. Participant phenotype was not available at the time of variant classification. Additional details can be found in publication PMID: 35346344, PMCID: PMC8962531

Labcorp Genetics (formerly Invitae), Labcorp
Classification: Uncertain significance for Catecholaminergic polymorphic ventricular tachycardia 1. Last evaluated: 2022-10-28. Review status: criteria provided, single submitter. Criteria: Invitae Variant Classification Sherloc (09022015). Collection method: clinical testing. Allele origin: germline.
Comment: This variant is not present in population databases (gnomAD no frequency). This sequence change falls in intron 4 of the RYR2 gene. It does not directly change the encoded amino acid sequence of the RYR2 protein. It affects a nucleotide within the consensus splice site. This variant has not been reported in the literature in individuals affected with RYR2-related conditions. Variants that disrupt the consensus splice site are a relatively common cause of aberrant splicing (PMID: 17576681, 9536098). Algorithms developed to predict the effect of sequence changes on RNA splicing suggest that this variant may disrupt the consensus splice site. In summary, the available evidence is currently insufficient to determine the role of this variant in disease. Therefore, it has been classified as a Variant of Uncertain Significance.

Literature cited by the submitters: PubMed 17576681 (cited by Labcorp Genetics (formerly Invitae), Labcorp); PubMed 9536098 (cited by Labcorp Genetics (formerly Invitae), Labcorp).

NM_001035.3(RYR2):c.295-3C>T

Gene: RYR2 (ryanodine receptor 2; plus strand). Cytogenetic location: 1q43.
Variant type: single nucleotide variant.
Coding change: c.295-3C>T on transcript NM_001035.3 (MANE Select); 3 bases into the intron before coding-DNA position 295, C replaced by T.
Molecular consequence: intron variant.
Genome position (GRCh38, 1-based): chr1:237,364,355, C>T. VCF-style: chr1-237364355-C-T. GRCh37 (hg19) VCF-style: chr1-237527655-C-T.
Identifiers: ClinVar variation 2997527 (VCV002997527.3), dbSNP rs2529740615, ClinGen allele CA2574459279.
Genomic context (GRCh38, chr1:237,364,355, plus strand): 5'-TTAAGGAAGTCTTTGAGATCGTGTCTATTTAATGTTTCCTCTCTTTTCCTTATGCCCCTA[C>T]AGAAATTCATGATGAAGGTAAGACATCTTAATATATATGCTATGTATATATATAGCAGAT-3'